The following is an entry in ClinVar:

NM_005560.6(LAMA5):c.1224C>T (p.Cys408=)

Gene: LAMA5 (laminin subunit alpha 5; minus strand). Cytogenetic location: 20q13.33.
Variant type: single nucleotide variant.
Coding change: c.1224C>T on transcript NM_005560.6 (MANE Select); coding-DNA position 1224, C replaced by T.
Protein change: p.Cys408=; no amino-acid change (cysteine 408 retained).
Molecular consequence: synonymous variant.
Genome position (GRCh38, 1-based): chr20:62,346,564, G>A on the plus strand (C>T on the coding strand, the complement: LAMA5 is on the minus strand). VCF-style: chr20-62346564-G-A. GRCh37 (hg19) VCF-style: chr20-60921620-G-A.
Other names: c.1224C>T (NM_005560.4).
Identifiers: ClinVar variation 2142890 (VCV002142890.6), dbSNP rs369596329, ClinGen allele CA9944037.

ClinVar aggregate classification (germline): Likely benign. Review status: criteria provided, single submitter (1 of 4 stars). 2 submissions from 2 submitters: Likely benign (1). 1 of the submissions does not count toward it. Last evaluated 2025-10-03.

Conditions:
LAMA5-related disorder. Also called: LAMA5-related condition; LAMA5-Related Disorders.

Allele frequency attached by ClinVar (database versions not stated): TOPMed 0.00006; gnomAD 0.00007; ESP Exome Variant Server 0.00008; ExAC 0.00035.
gnomAD v4.1: 128 of 1,572,318 alleles (0.0081%); highest among the groups gnomAD compares: Non-Finnish European, 0.0088%; no homozygotes.

Submissions (2):

Labcorp Genetics (formerly Invitae), Labcorp
Classification: Likely benign. Last evaluated: 2025-10-03. Review status: criteria provided, single submitter. Criteria: Invitae Variant Classification Sherloc (09022015). Collection method: clinical testing. Allele origin: germline.

PreventionGenetics, part of Exact Sciences
Classification: Likely benign for LAMA5-related condition. Last evaluated: 2022-12-13. Review status: no assertion criteria provided. Collection method: clinical testing. Allele origin: germline. Not counted in ClinVar's aggregate classification.
Comment: This variant is classified as likely benign based on ACMG/AMP sequence variant interpretation guidelines (Richards et al. 2015 PMID: 25741868, with internal and published modifications).